The following is an entry in ClinVar:

ClinVar aggregate classification (germline): Likely benign. Review status: criteria provided, single submitter (1 of 4 stars). 2 submissions from 2 submitters: Likely benign (1). 1 of the submissions does not count toward it. Last evaluated 2022-11-01.

Conditions:
BBS2-related disorder. Also called: BBS2-related disorders; BBS2-related condition. Identifiers: MedGen CN239228.
Bardet-Biedl syndrome (BBS). Identifiers: Orphanet 110, MedGen C0752166, MONDO:0015229.

Submissions (2):

Labcorp Genetics (formerly Invitae), Labcorp
Classification: Likely benign for Bardet-Biedl syndrome. Last evaluated: 2022-11-01. Review status: criteria provided, single submitter. Criteria: Invitae Variant Classification Sherloc (09022015). Collection method: clinical testing. Allele origin: germline.

PreventionGenetics, part of Exact Sciences
Classification: Likely benign for BBS2-related condition. Last evaluated: 2023-08-16. Review status: no assertion criteria provided. Collection method: clinical testing. Allele origin: germline. Not counted in ClinVar's aggregate classification.
Comment: This variant is classified as likely benign based on ACMG/AMP sequence variant interpretation guidelines (Richards et al. 2015 PMID: 25741868, with internal and published modifications).

NM_031885.5(BBS2):c.1728T>C (p.Ala576=)

Gene: BBS2 (Bardet-Biedl syndrome 2; minus strand). Cytogenetic location: 16q13.
Variant type: single nucleotide variant.
Coding change: c.1728T>C on transcript NM_031885.5 (MANE Select); coding-DNA position 1728, T replaced by C.
Protein change: p.Ala576=; no amino-acid change (alanine 576 retained).
Molecular consequence: synonymous variant. On other transcripts: non-coding transcript variant (5).
Genome position (GRCh38, 1-based): chr16:56,497,812, A>G on the plus strand (T>C on the coding strand, the complement: BBS2 is on the minus strand). VCF-style: chr16-56497812-A-G. GRCh37 (hg19) VCF-style: chr16-56531724-A-G.
Other names: c.1728T>C (NM_031885.3); c.1728T>C, p.Ala576= (NM_001377456.1).
Identifiers: ClinVar variation 1115464 (VCV001115464.8), dbSNP rs2144132596, ClinGen allele CA495586125.